The following is an entry in ClinVar:

NM_015311.3(OBSL1):c.3772T>C (p.Phe1258Leu)

Gene: OBSL1 (obscurin like cytoskeletal adaptor 1; minus strand). Cytogenetic location: 2q35.
Variant type: single nucleotide variant.
Coding change: c.3772T>C on transcript NM_015311.3 (MANE Select); coding-DNA position 3772, T replaced by C.
Protein change: p.Phe1258Leu; replaces phenylalanine 1258 with leucine.
Molecular consequence: missense variant.
Genome position (GRCh38, 1-based): chr2:219,557,841, A>G on the plus strand (T>C on the coding strand, the complement: OBSL1 is on the minus strand). VCF-style: chr2-219557841-A-G. GRCh37 (hg19) VCF-style: chr2-220422563-A-G.
Other names: c.3772T>C, p.Phe1258Leu (NM_001173431.2); c.3772T>C (NM_015311.2); short protein forms F1258L.
Identifiers: ClinVar variation 2889254 (VCV002889254.4), dbSNP rs2546231298, ClinGen allele CA350734086.

ClinVar aggregate classification (germline): Uncertain significance. Review status: criteria provided, multiple submitters, no conflicts (2 of 4 stars). 2 submissions from 2 submitters: Uncertain significance (2). Last evaluated 2025-04-25.

Conditions:
Inborn genetic diseases. Identifiers: MedGen C0950123, MeSH D030342.

Allele frequency attached by ClinVar (database versions not stated): gnomAD exomes below 0.00001.
gnomAD v4.1: 1 of 1,599,080 alleles (0.000063%); highest among the groups gnomAD compares: Non-Finnish European, 0.000085%; no homozygotes.

Submissions (2):

Ambry Genetics
Classification: Uncertain significance for Inborn genetic diseases. Last evaluated: 2025-04-25. Review status: criteria provided, single submitter. Criteria: Ambry Variant Classification Scheme 2023. Collection method: clinical testing. Allele origin: germline.

Labcorp Genetics (formerly Invitae), Labcorp
Classification: Uncertain significance. Last evaluated: 2024-10-07. Review status: criteria provided, single submitter. Criteria: Invitae Variant Classification Sherloc (09022015). Collection method: clinical testing. Allele origin: germline.
Comment: This sequence change replaces phenylalanine, which is neutral and non-polar, with leucine, which is neutral and non-polar, at codon 1258 of the OBSL1 protein (p.Phe1258Leu). This variant is not present in population databases (gnomAD no frequency). This variant has not been reported in the literature in individuals affected with OBSL1-related conditions. An algorithm developed to predict the effect of missense changes on protein structure and function (PolyPhen-2) suggests that this variant is likely to be disruptive. In summary, the available evidence is currently insufficient to determine the role of this variant in disease. Therefore, it has been classified as a Variant of Uncertain Significance.